The following is an entry in ClinVar:

NM_020436.5(SALL4):c.818C>A (p.Ala273Asp)

Gene: SALL4 (spalt like transcription factor 4; minus strand). Cytogenetic location: 20q13.2.
Variant type: single nucleotide variant.
Coding change: c.818C>A on transcript NM_020436.5 (MANE Select); coding-DNA position 818, C replaced by A.
Protein change: p.Ala273Asp; replaces alanine 273 with aspartic acid.
Molecular consequence: missense variant.
Genome position (GRCh38, 1-based): chr20:51,791,665, G>T on the plus strand (C>A on the coding strand, the complement: SALL4 is on the minus strand). VCF-style: chr20-51791665-G-T. GRCh37 (hg19) VCF-style: chr20-50408204-G-T.
Other names: c.818C>A, p.Ala273Asp (NM_001318031.2); short protein forms A273D.
Identifiers: ClinVar variation 5009250 (VCV005009250.1).

ClinVar aggregate classification (germline): Uncertain significance (1 of 4 stars; one submission).

Submission:

GeneDx
Classification: Uncertain significance. Last evaluated: 2026-03-15. Review status: criteria provided, single submitter. Criteria: GeneDx Variant Classification Process June 2021. Collection method: clinical testing. Allele origin: germline.
Comment: Not observed at significant frequency in large population cohorts (gnomAD); In silico analysis supports that this missense variant has a deleterious effect on protein structure/function; Has not been previously published as pathogenic or benign to our knowledge.